The following is an entry in ClinVar:

ClinVar aggregate classification (germline): Uncertain significance (1 of 4 stars; one submission).

Conditions:
KIDINS220-related disorder. Also called: KIDINS220-related condition.

Allele frequency attached by ClinVar (database versions not stated): gnomAD 0.00001; TOPMed 0.00001; gnomAD exomes 0.00002.
gnomAD v4.1: 26 of 1,613,480 alleles (0.0016%); highest among the groups gnomAD compares: Non-Finnish European, 0.0021%; no homozygotes.

Submission:

PreventionGenetics, part of Exact Sciences
Classification: Uncertain significance for KIDINS220-related condition. Last evaluated: 2023-02-07. Review status: criteria provided, single submitter. Criteria: ACMG Guidelines, 2015. Collection method: clinical testing. Allele origin: germline.
Comment: The KIDINS220 c.2619A>G variant is predicted to result in the amino acid substitution p.Ile873Met. To our knowledge, this variant has not been reported in the literature or in a large population database, indicating this variant is rare. At this time, the clinical significance of this variant is uncertain due to the absence of conclusive functional and genetic evidence.

NM_020738.4(KIDINS220):c.2619A>G (p.Ile873Met)

Gene: KIDINS220 (kinase D interacting substrate 220; minus strand). Cytogenetic location: 2p25.1.
Variant type: single nucleotide variant.
Coding change: c.2619A>G on transcript NM_020738.4 (MANE Select); coding-DNA position 2619, A replaced by G.
Protein change: p.Ile873Met; replaces isoleucine 873 with methionine.
Molecular consequence: missense variant. On other transcripts: non-coding transcript variant (2).
Genome position (GRCh38, 1-based): chr2:8,778,723, T>C on the plus strand (A>G on the coding strand, the complement: KIDINS220 is on the minus strand). VCF-style: chr2-8778723-T-C. GRCh37 (hg19) VCF-style: chr2-8918853-T-C.
Other names: c.2622A>G, p.Ile874Met (NM_001348729.2, NM_001348731.2, NM_001348734.2 and 3 more transcripts); c.2619A>G, p.Ile873Met (NM_001348732.2, NM_001348735.2, NM_001348738.2 and 3 more transcripts); c.2493A>G, p.Ile831Met (NM_001348736.2); short protein forms I831M, I873M, I874M.
Identifiers: ClinVar variation 2629535 (VCV002629535.1), dbSNP rs1286101589, ClinGen allele CA345759784.